The following is an entry in ClinVar:

NM_000439.5(PCSK1):c.1330C>A (p.Leu444Ile)

Genes: CAST (calpastatin; plus strand), PCSK1 (proprotein convertase subtilisin/kexin type 1; minus strand), LOC101929710 (uncharacterized LOC101929710; plus strand). Cytogenetic location: 5q15.
Variant type: single nucleotide variant.
Coding change: c.1330C>A on transcript NM_000439.5 (MANE Select); coding-DNA position 1330, C replaced by A.
Protein change: p.Leu444Ile; replaces leucine 444 with isoleucine.
Molecular consequence: missense variant. On other transcripts: intron variant (11).
Genome position (GRCh38, 1-based): chr5:96,400,053, G>T on the plus strand (C>A on the coding strand, the complement: PCSK1 is on the minus strand). VCF-style: chr5-96400053-G-T. GRCh37 (hg19) VCF-style: chr5-95735757-G-T.
Other names: c.1189C>A, p.Leu397Ile (NM_001177875.2); c.-175+20401G>T (NM_001423254.1, NM_001423259.1, NM_001423255.1 and 6 more transcripts); c.-103+20401G>T (NM_001423253.1); c.-40+20401G>T (NM_001423258.1); short protein forms L397I, L444I.
Identifiers: ClinVar variation 4992974 (VCV004992974.1).

ClinVar aggregate classification (germline): Uncertain significance (1 of 4 stars; one submission).

Conditions:
PCSK1-related disorder. Also called: PCSK1-related condition.

Submission:

PreventionGenetics, part of Exact Sciences
Classification: Uncertain significance for PCSK1-related condition. Last evaluated: 2025-09-26. Review status: criteria provided, single submitter. Criteria: ACMG Guidelines, 2015. Collection method: clinical testing. Allele origin: germline.
Comment: The PCSK1 c.1330C>A variant is predicted to result in the amino acid substitution p.Leu444Ile. In vitro functional studies showed this variant functions similar to wild-type levels (Supplemental Data Set, Shah et al. 2023. PubMed ID: 36864747). This variant has not been reported in a large population database (gnomAD). At this time, the clinical significance of this variant is uncertain due to the absence of conclusive functional and genetic evidence.